The following is an entry in ClinVar:

NM_000239.3(LYZ):c.209C>G (p.Thr70Ser)

Gene: LYZ (lysozyme; plus strand). Cytogenetic location: 12q15.
Variant type: single nucleotide variant.
Coding change: c.209C>G on transcript NM_000239.3 (MANE Select); coding-DNA position 209, C replaced by G.
Protein change: p.Thr70Ser; replaces threonine 70 with serine.
Molecular consequence: missense variant.
Genome position (GRCh38, 1-based): chr12:69,350,180, C>G. VCF-style: chr12-69350180-C-G. GRCh37 (hg19) VCF-style: chr12-69743960-C-G.
Other names: short protein forms T70S.
Identifiers: ClinVar variation 1337976 (VCV001337976.10), dbSNP rs1349579951, ClinGen allele CA385725884.

ClinVar aggregate classification (germline): Uncertain significance. Review status: criteria provided, multiple submitters, no conflicts (2 of 4 stars). 5 submissions from 5 submitters: Uncertain significance (5). Last evaluated 2025-10-07.

Conditions:
Inborn genetic diseases. Identifiers: MedGen C0950123, MeSH D030342.
Familial visceral amyloidosis, Ostertag type (AMYLD2). Also called: Ostertag type amyloidosis; AMYLOIDOSIS VIII; Familial visceral amyloidosis; Amyloidosis, hepatic and systemic; AMYLOIDOSIS, HEREDITARY SYSTEMIC 2; Hereditary Renal Amyloidosis. Identifiers: Orphanet 85450, MedGen C0268389, MONDO:0007099, OMIM 105200.

Allele frequency attached by ClinVar (database versions not stated): gnomAD exomes 0.00001; TOPMed 0.00002.
gnomAD v4.1: 8 of 1,614,104 alleles (0.0005%); highest among the groups gnomAD compares: Middle Eastern, 0.017%; no homozygotes.

Submissions (5):

Ambry Genetics
Classification: Uncertain significance for Inborn genetic diseases. Last evaluated: 2025-10-07. Review status: criteria provided, single submitter. Criteria: Ambry Variant Classification Scheme 2023. Collection method: clinical testing. Allele origin: germline.

Blueprint Genetics
Classification: Uncertain significance. Last evaluated: 2024-05-17. Review status: criteria provided, single submitter. Criteria: ACMG Guidelines, 2015. Collection method: clinical testing. Allele origin: germline.

Labcorp Genetics (formerly Invitae), Labcorp
Classification: Uncertain significance. Last evaluated: 2023-01-14. Review status: criteria provided, single submitter. Criteria: Invitae Variant Classification Sherloc (09022015). Collection method: clinical testing. Allele origin: germline.
Comment: ClinVar contains an entry for this variant (Variation ID: 1337976). This variant has not been reported in the literature in individuals affected with LYZ-related conditions. This variant is not present in population databases (gnomAD no frequency). This sequence change replaces threonine, which is neutral and polar, with serine, which is neutral and polar, at codon 70 of the LYZ protein (p.Thr70Ser). Algorithms developed to predict the effect of missense changes on protein structure and function (SIFT, PolyPhen-2, Align-GVGD) all suggest that this variant is likely to be tolerated. In summary, the available evidence is currently insufficient to determine the role of this variant in disease. Therefore, it has been classified as a Variant of Uncertain Significance.

Fulgent Genetics
Classification: Uncertain significance for Familial visceral amyloidosis, Ostertag type. Last evaluated: 2022-03-30. Review status: criteria provided, single submitter. Criteria: ACMG Guidelines, 2015. Collection method: clinical testing. Allele origin: unknown.

Genetic Services Laboratory, University of Chicago
Classification: Uncertain significance. Last evaluated: 2021-06-25. Review status: criteria provided, single submitter. Criteria: ACMG Guidelines, 2015. Collection method: clinical testing. Allele origin: germline. Affected: no.
Comment: DNA sequence analysis of the LYZ gene demonstrated a sequence change, c.209C>G, in exon 2 that results in an amino acid change, p.Thr70Ser. This sequence change is absent from known population databases (gnomAD). The p.Thr70Ser change affects a highly conserved amino acid residue located in a domain of the LYZ protein that is known to be functional. In-silico pathogenicity prediction tools (SIFT, PolyPhen2, Align GVGD, REVEL) provide contradictory results for the p.Thr70Ser substitution. This sequence change does not appear to have been previously described in patients with LYZ-related disorders. Due to the lack of sufficient evidences, the clinical significance of the p.Thr70Ser change remains unknown at this time.